The following is an entry in ClinVar:

ClinVar aggregate classification (germline): Uncertain significance. Review status: criteria provided, multiple submitters, no conflicts (2 of 4 stars). 2 submissions from 2 submitters: Uncertain significance (2). Last evaluated 2025-05-08.

Conditions:
Aortic aneurysm, familial thoracic 7 (AAT7). Also called: AORTIC DISSECTION, FAMILIAL, WITH OR WITHOUT AORTIC ANEURYSM. Identifiers: MedGen C3151077, MONDO:0013418, OMIM 613780.
Familial thoracic aortic aneurysm and aortic dissection (TAAD). Also called: Thoracic aortic aneurysms and dissections. Identifiers: Orphanet 91387, MedGen C4707243, MONDO:0019625.

gnomAD v4.1: 5 of 1,614,190 alleles (0.00031%); highest among the groups gnomAD compares: Non-Finnish European, 0.00042%; no homozygotes.

Submissions (2):

Ambry Genetics
Classification: Uncertain significance for Familial thoracic aortic aneurysm and aortic dissection. Last evaluated: 2025-05-08. Review status: criteria provided, single submitter. Criteria: Ambry Variant Classification Scheme 2023. Collection method: clinical testing. Allele origin: germline.
Comment: The p.P354Q variant (also known as c.1061C>A), located in coding exon 7 of the MYLK gene, results from a C to A substitution at nucleotide position 1061. The proline at codon 354 is replaced by glutamine, an amino acid with similar properties. This amino acid position is conserved. In addition, this alteration is predicted to be tolerated by in silico analysis. Based on the available evidence, the clinical significance of this variant remains unclear.

Labcorp Genetics (formerly Invitae), Labcorp
Classification: Uncertain significance for Aortic aneurysm, familial thoracic 7. Last evaluated: 2023-08-20. Review status: criteria provided, single submitter. Criteria: Invitae Variant Classification Sherloc (09022015). Collection method: clinical testing. Allele origin: germline.
Comment: This sequence change replaces proline, which is neutral and non-polar, with glutamine, which is neutral and polar, at codon 354 of the MYLK protein (p.Pro354Gln). This variant is not present in population databases (gnomAD no frequency). This variant has not been reported in the literature in individuals affected with MYLK-related conditions. Advanced modeling of protein sequence and biophysical properties (such as structural, functional, and spatial information, amino acid conservation, physicochemical variation, residue mobility, and thermodynamic stability) performed at Invitae indicates that this missense variant is not expected to disrupt MYLK protein function. In summary, the available evidence is currently insufficient to determine the role of this variant in disease. Therefore, it has been classified as a Variant of Uncertain Significance.

NM_053025.4(MYLK):c.1061C>A (p.Pro354Gln)

Gene: MYLK (myosin light chain kinase; minus strand). Cytogenetic location: 3q21.1.
Variant type: single nucleotide variant.
Coding change: c.1061C>A on transcript NM_053025.4 (MANE Select); coding-DNA position 1061, C replaced by A.
Protein change: p.Pro354Gln; replaces proline 354 with glutamine.
Molecular consequence: missense variant.
Genome position (GRCh38, 1-based): chr3:123,733,935, G>T on the plus strand (C>A on the coding strand, the complement: MYLK is on the minus strand). VCF-style: chr3-123733935-G-T. GRCh37 (hg19) VCF-style: chr3-123452782-G-T.
Other names: c.533C>A, p.Pro178Gln (NM_001321309.2); c.1061C>A (NM_053025.3); c.1061C>A, p.Pro354Gln (NM_053026.4, NM_053027.4, NM_053028.4); short protein forms P354Q, P178Q.
Identifiers: ClinVar variation 2975731 (VCV002975731.4), dbSNP rs562370892, ClinGen allele CA354239587.